The following is an entry in ClinVar:

NM_201384.3(PLEC):c.7110C>T (p.Ala2370=)

Gene: PLEC (plectin; minus strand). Cytogenetic location: 8q24.3.
Variant type: single nucleotide variant.
Coding change: c.7110C>T on transcript NM_201384.3 (MANE Select); coding-DNA position 7110, C replaced by T.
Protein change: p.Ala2370=; no amino-acid change (alanine 2370 retained).
Molecular consequence: synonymous variant.
Genome position (GRCh38, 1-based): chr8:143,922,819, G>A on the plus strand (C>T on the coding strand, the complement: PLEC is on the minus strand). VCF-style: chr8-143922819-G-A. GRCh37 (hg19) VCF-style: chr8-144996987-G-A.
Other names: p.Ala2356=; c.7191C>T, p.Ala2397= (NM_000445.5); c.7068C>T, p.Ala2356= (NM_201378.4); c.7044C>T, p.Ala2348= (NM_201379.3); c.7521C>T, p.Ala2507= (NM_201380.4); c.7014C>T, p.Ala2338= (NM_201381.3); c.7110C>T, p.Ala2370= (NM_201382.4); c.7122C>T, p.Ala2374= (NM_201383.3).
Identifiers: ClinVar variation 129952 (VCV000129952.23), dbSNP rs80143277, ClinGen allele CA154582.

ClinVar aggregate classification (germline): Benign. Review status: criteria provided, multiple submitters, no conflicts (2 of 4 stars). 7 submissions from 7 submitters: Benign (6). 1 of the submissions does not count toward it. Last evaluated 2026-01-27.

Conditions:
Epidermolysis bullosa simplex 5C, with pyloric atresia (EBS5C). Also called: PLEC-Related Epidermolysis Bullosa with Pyloric Atresia; Epidermolysis bullosa simplex with pyloric atresia; PLEC1-Related Epidermolysis Bullosa with Pyloric Atresia. Identifiers: Orphanet 158684, MedGen C2677349, MONDO:0012807, OMIM 612138.
Autosomal recessive limb-girdle muscular dystrophy type 2Q (LGMDR17). Also called: MUSCULAR DYSTROPHY, LIMB-GIRDLE, AUTOSOMAL RECESSIVE 17. Identifiers: Orphanet 254361, MedGen C3150989, MONDO:0013390, OMIM 613723.
Epidermolysis bullosa simplex with nail dystrophy (EBS5D). Identifiers: MedGen C4225309, MONDO:0014661, OMIM 616487.
Epidermolysis bullosa simplex 5B, with muscular dystrophy (EBS5B). Also called: Epidermolysis bullosa simplex with muscular dystrophy; EPIDERMOLYSIS BULLOSA SIMPLEX AND LIMB-GIRDLE MUSCULAR DYSTROPHY. Identifiers: Orphanet 257, MedGen C2931072, MONDO:0009181, OMIM 226670.
Epidermolysis bullosa simplex, Ogna type (EBS5A). Also called: Pidermolysis bullosa simplex 5A, Ogna type; EPIDERMOLYSIS BULLOSA SIMPLEX 5A, OGNA TYPE. Identifiers: Orphanet 79401, MedGen C0432317, MONDO:0007555, OMIM 131950.

Allele frequency attached by ClinVar (database versions not stated): gnomAD exomes 0.00125 and 0.00293; ExAC 0.00518; 1000 Genomes Project 0.01098; 1000 Genomes Project 30x 0.01109; gnomAD 0.01189 and 0.01298; ESP Exome Variant Server 0.01193; TOPMed 0.01388.
gnomAD v4.1: 3,668 of 1,584,518 alleles (0.23%); highest among the groups gnomAD compares: African/African-American, 4.4%; 93 homozygotes.

Submissions (7):

Labcorp Genetics (formerly Invitae), Labcorp
Classification: Benign for Autosomal recessive limb-girdle muscular dystrophy type 2Q; Epidermolysis bullosa simplex, Ogna type; Epidermolysis bullosa simplex with nail dystrophy; Epidermolysis bullosa simplex 5C, with pyloric atresia; Epidermolysis bullosa simplex 5B, with muscular dystrophy. Last evaluated: 2026-01-27. Review status: criteria provided, single submitter. Criteria: Invitae Variant Classification Sherloc (09022015). Collection method: clinical testing. Allele origin: germline.

Athena Diagnostics
Classification: Benign. Last evaluated: 2024-10-31. Review status: criteria provided, single submitter. Criteria: Athena Diagnostics Criteria. Collection method: clinical testing. Allele origin: unknown.

Mayo Clinic Laboratories, Mayo Clinic
Classification: Benign. Last evaluated: 2024-04-09. Review status: criteria provided, single submitter. Criteria: ACMG Guidelines, 2015. Collection method: clinical testing. Allele origin: germline. Observed: 9 variant alleles.
Comment: BS1, BS2, BP4, BP7

GeneDx
Classification: Benign. Last evaluated: 2016-08-31. Review status: criteria provided, single submitter. Criteria: GeneDx Variant Classification (06012015). Collection method: clinical testing. Allele origin: germline. Affected: yes.
Comment: This variant is considered likely benign or benign based on one or more of the following criteria: it is a conservative change, it occurs at a poorly conserved position in the protein, it is predicted to be benign by multiple in silico algorithms, and/or has population frequency not consistent with disease.

Eurofins Ntd Llc (ga)
Classification: Benign. Last evaluated: 2015-07-10. Review status: criteria provided, single submitter. Criteria: EGL Classification Definitions 2015. Collection method: clinical testing. Allele origin: germline. Observed: 2 variant alleles, 2 heterozygotes.

Breakthrough Genomics
Classification: Benign. Review status: criteria provided, single submitter. Criteria: ACMG Guidelines, 2015. Collection method: not provided. Allele origin: germline. Inheritance: Autosomal recessive inheritance. Affected: yes.

Genetic Services Laboratory, University of Chicago
Classification: Likely benign for AllHighlyPenetrant. Review status: no assertion criteria provided. Collection method: clinical testing. Allele origin: germline. Inheritance: Autosomal recessive inheritance. Not counted in ClinVar's aggregate classification.
Comment: Likely benign based on allele frequency in 1000 Genomes Project or ESP global frequency and its presence in a patient with a rare or unrelated disease phenotype. NOT Sanger confirmed.